The following is an entry in ClinVar:

ClinVar aggregate classification (germline): Uncertain significance. Review status: criteria provided, multiple submitters, no conflicts (2 of 4 stars). 2 submissions from 2 submitters: Uncertain significance (2). Last evaluated 2025-08-29.

Conditions:
CSF3R-related disorder. Also called: CSF3R-related condition.
Autosomal recessive severe congenital neutropenia due to CSF3R deficiency. Also called: Neutropenia, severe congenital, 7, autosomal recessive. Identifiers: Orphanet 420702, MedGen C4310764, MONDO:0014865, OMIM 617014.

Allele frequency attached by ClinVar (database versions not stated): gnomAD 0.00002; TOPMed 0.00002; 1000 Genomes Project 30x 0.00016; 1000 Genomes Project 0.00020.
gnomAD v4.1: 34 of 1,614,198 alleles (0.0021%); highest among the groups gnomAD compares: South Asian, 0.019%; no homozygotes.

Submissions (2):

Labcorp Genetics (formerly Invitae), Labcorp
Classification: Uncertain significance for Autosomal recessive severe congenital neutropenia due to CSF3R deficiency. Last evaluated: 2025-08-29. Review status: criteria provided, single submitter. Criteria: Invitae Variant Classification Sherloc (09022015). Collection method: clinical testing. Allele origin: germline.
Comment: This sequence change replaces arginine, which is basic and polar, with histidine, which is basic and polar, at codon 274 of the CSF3R protein (p.Arg274His). This variant is present in population databases (rs559297734, gnomAD 0.02%). This variant has not been reported in the literature in individuals affected with CSF3R-related conditions. ClinVar contains an entry for this variant (Variation ID: 2885838). An algorithm developed to predict the effect of missense changes on protein structure and function outputs the following: PolyPhen-2: "Benign". The histidine amino acid residue is found in multiple mammalian species, which suggests that this missense change does not adversely affect protein function. In summary, the available evidence is currently insufficient to determine the role of this variant in disease. Therefore, it has been classified as a Variant of Uncertain Significance.

PreventionGenetics, part of Exact Sciences
Classification: Uncertain significance for CSF3R-related condition. Last evaluated: 2024-10-31. Review status: criteria provided, single submitter. Criteria: ACMG Guidelines, 2015. Collection method: clinical testing. Allele origin: germline.
Comment: The CSF3R c.821G>A variant is predicted to result in the amino acid substitution p.Arg274His. To our knowledge, this variant has not been reported in the literature. This variant is reported in 0.017% of alleles in individuals of Latino descent in gnomAD. At this time, the clinical significance of this variant is uncertain due to the absence of conclusive functional and genetic evidence.

NM_000760.4(CSF3R):c.821G>A (p.Arg274His)

Gene: CSF3R (colony stimulating factor 3 receptor; minus strand). Cytogenetic location: 1p34.3.
Variant type: single nucleotide variant.
Coding change: c.821G>A on transcript NM_000760.4 (MANE Select); coding-DNA position 821, G replaced by A.
Protein change: p.Arg274His; replaces arginine 274 with histidine.
Molecular consequence: missense variant.
Genome position (GRCh38, 1-based): chr1:36,472,539, C>T on the plus strand (G>A on the coding strand, the complement: CSF3R is on the minus strand). VCF-style: chr1-36472539-C-T. GRCh37 (hg19) VCF-style: chr1-36938140-C-T.
Other names: c.821G>A (NM_000760.3); c.821G>A, p.Arg274His (NM_156039.3, NM_172313.3); short protein forms R274H.
Identifiers: ClinVar variation 2885838 (VCV002885838.4), dbSNP rs559297734, ClinGen allele CA769378.